The following is an entry in ClinVar:

ClinVar aggregate classification (germline): Uncertain significance (1 of 4 stars; one submission).

Conditions:
Tuberous sclerosis 2 (TSC2). Identifiers: Orphanet 805, MedGen C1860707, MONDO:0013199, OMIM 613254.

Submission:

Labcorp Genetics (formerly Invitae), Labcorp
Classification: Uncertain significance for Tuberous sclerosis 2. Last evaluated: 2022-04-10. Review status: criteria provided, single submitter. Criteria: Invitae Variant Classification Sherloc (09022015). Collection method: clinical testing. Allele origin: germline.
Comment: Algorithms developed to predict the effect of sequence changes on RNA splicing suggest that this variant may disrupt the consensus splice site. In summary, the available evidence is currently insufficient to determine the role of this variant in disease. Therefore, it has been classified as a Variant of Uncertain Significance. This variant has not been reported in the literature in individuals affected with TSC2-related conditions. This sequence change falls in intron 14 of the TSC2 gene. It does not directly change the encoded amino acid sequence of the TSC2 protein. This variant is not present in population databases (gnomAD no frequency).

NM_000548.5(TSC2):c.1444-6G>T

Gene: TSC2 (TSC complex subunit 2; plus strand). Cytogenetic location: 16p13.3.
Variant type: single nucleotide variant.
Coding change: c.1444-6G>T on transcript NM_000548.5 (MANE Select); 6 bases into the intron before coding-DNA position 1444, G replaced by T.
Molecular consequence: intron variant.
Genome position (GRCh38, 1-based): chr16:2,064,266, G>T. VCF-style: chr16-2064266-G-T. GRCh37 (hg19) VCF-style: chr16-2114267-G-T.
Other names: c.1444-6G>T (NM_001114382.3, NM_021055.3, NM_001370405.1 and 3 more transcripts); c.1333-6G>T (NM_001318827.2); c.844-6G>T (NM_001318831.2); c.1297-6G>T (NM_001318829.2); c.1477-6G>T (NM_001318832.2).
Identifiers: ClinVar variation 2123999 (VCV002123999.4), dbSNP rs2548569250, ClinGen allele CA2580090780.
Genomic context (GRCh38, chr16:2,064,266, plus strand): 5'-TGGAAGTGTCACGAGATGTGGCCCTCGTTGGGCTGGCGCTCATTGGCCTCCCTTGTGCCT[G>T]TGCAGGAGGAGCTGATTAACTCAGTGGTCATCTCGCAGCTCTCCCACATCCCCGAGGATA-3'